The following is an entry in ClinVar:

NM_001355436.2(SPTB):c.5796del (p.Arg1933fs)

Gene: SPTB (spectrin beta, erythrocytic; minus strand). Cytogenetic location: 14q23.3.
Variant type: Deletion.
Coding change: c.5796del on transcript NM_001355436.2 (MANE Select); coding-DNA position 5796, one base deleted (C; older notation c.5796delC).
Protein change: p.Arg1933fs; shifts the reading frame from arginine 1933.
Molecular consequence: frameshift variant.
Genome position (GRCh38, 1-based): chr14:64,770,887, G deleted on the plus strand (C on the coding strand, the reverse complement: SPTB is on the minus strand); the first of 3 consecutive G bases (chr14:64,770,887-64,770,889); deleting any one gives the same sequence. VCF-style (leftmost placement, unchanged base first): chr14-64770886-TG-T. GRCh37 (hg19) VCF-style: chr14-65237604-TG-T.
Other names: p.Arg1933Glyfs*10; c.5796del, p.Arg1933fs (NM_001024858.4, NM_001355437.2); short protein forms R1933fs.
Identifiers: ClinVar variation 4541840 (VCV004541840.1).

ClinVar aggregate classification (germline): Likely pathogenic (1 of 4 stars; one submission).

Submission:

Mayo Clinic Laboratories, Mayo Clinic
Classification: Likely pathogenic. Last evaluated: 2025-04-17. Review status: criteria provided, single submitter. Criteria: ACMG Guidelines, 2015. Collection method: clinical testing. Allele origin: germline. Observed: 1 variant allele.
Comment: PM2_supporting, PVS1